The following is an entry in ClinVar:

ClinVar aggregate classification (germline): Likely pathogenic (1 of 4 stars; one submission).

Conditions:
Hepatic methionine adenosyltransferase deficiency. Also called: MAT I/III DEFICIENCY; Deficiency of methionine adenosyltransferase; Isolated Persistent Hypermethioninemia; Methionine adenosyltransferase deficiency. Identifiers: Orphanet 168598, MedGen C0268621, MeSH C564683, MONDO:0009607, OMIM 250850.

Submission:

Women's Health and Genetics/Laboratory Corporation of America, LabCorp
Classification: Likely pathogenic for Hepatic methionine adenosyltransferase deficiency. Last evaluated: 2024-09-10. Review status: criteria provided, single submitter. Criteria: LabCorp Variant Classification Summary - May 2015. Collection method: clinical testing. Allele origin: germline.
Comment: Variant summary: MAT1A c.1141G>A (p.Gly381Arg) results in a non-conservative amino acid change located in the S-adenosylmethionine synthetase, C-terminal domain (IPR022630) of the encoded protein sequence. Five of five in-silico tools predict a damaging effect of the variant on protein function. The variant allele was found at a frequency of 4e-06 in 250330 control chromosomes (gnomAD). c.1141G>A has been reported in the literature in at least an individual affected with hypermethioninemia (example: Fernndez-Irigoyen_2010). These data indicate that the variant may be associated with disease. In functional studies the variant resulted in reduced methionine adenosyl transferase activity but close to wild-type tripolyphosphatase activity (Fernndez-Irigoyen_2010). The following publication has been ascertained in the context of this evaluation (PMID: 20675163). No submitters have cited clinical-significance assessments for this variant to ClinVar. Based on the evidence outlined above, the variant was classified as likely pathogenic.

Literature cited by the submitters: PubMed 20675163.

NM_000429.3(MAT1A):c.1141G>A (p.Gly381Arg)

Genes: MAT1A (methionine adenosyltransferase 1A; minus strand), LOC126860980 (CDK7 strongly-dependent group 2 enhancer GRCh37_chr10:82032694-82033893; plus strand). Cytogenetic location: 10q22.3.
Variant type: single nucleotide variant.
Coding change: c.1141G>A on transcript NM_000429.3 (MANE Select); coding-DNA position 1141, G replaced by A.
Protein change: p.Gly381Arg; replaces glycine 381 with arginine.
Molecular consequence: missense variant.
Genome position (GRCh38, 1-based): chr10:80,273,828, C>T on the plus strand (G>A on the coding strand, the complement: MAT1A is on the minus strand). VCF-style: chr10-80273828-C-T. GRCh37 (hg19) VCF-style: chr10-82033584-C-T.
Other names: short protein forms G381R.
Identifiers: ClinVar variation 3374965 (VCV003374965.1).
Genomic context (GRCh38, chr10:80,273,828, plus strand): 5'-GCTCCCCCTGGCTCTAAAATACAAGCTTCCTGGGAACCTCCCATGGGAACTCGCTTCTTC[C>T]GAAATGGCCGTAGCATGCTGTCTTCTGGTAGATGGGCTTCTTCAAGTCCAAATCCCTGCA-3'
Protein context (NP_000420.1, residues 371-391): YQKTACYGHF[Gly381Arg]RSEFPWEVPR